The following is an entry in ClinVar:

NM_000400.4(ERCC2):c.787C>G (p.Leu263Val)

Gene: ERCC2 (ERCC excision repair 2, TFIIH core complex helicase subunit; minus strand). Cytogenetic location: 19q13.32.
Variant type: single nucleotide variant.
Coding change: c.787C>G on transcript NM_000400.4 (MANE Select); coding-DNA position 787, C replaced by G.
Protein change: p.Leu263Val; replaces leucine 263 with valine.
Molecular consequence: missense variant.
Genome position (GRCh38, 1-based): chr19:45,364,263, G>C on the plus strand (C>G on the coding strand, the complement: ERCC2 is on the minus strand). VCF-style: chr19-45364263-G-C. GRCh37 (hg19) VCF-style: chr19-45867521-G-C.
Other names: c.715C>G, p.Leu239Val (NM_001130867.2); short protein forms L263V, L239V.
Identifiers: ClinVar variation 2447131 (VCV002447131.2), dbSNP rs2514031004, ClinGen allele CA406374087.

ClinVar aggregate classification (germline): Uncertain significance (1 of 4 stars; one submission).

Conditions:
Inborn genetic diseases. Identifiers: MedGen C0950123, MeSH D030342.

Allele frequency attached by ClinVar (database versions not stated): gnomAD exomes below 0.00001.
gnomAD v4.1: 1 of 1,613,976 alleles (0.000062%); highest among the groups gnomAD compares: East Asian, 0.0022%; no homozygotes.

Submission:

Ambry Genetics
Classification: Uncertain significance for Inborn genetic diseases. Last evaluated: 2022-11-24. Review status: criteria provided, single submitter. Criteria: Ambry Variant Classification Scheme 2023. Collection method: clinical testing. Allele origin: germline.
Comment: The p.L263V variant (also known as c.787C>G), located in coding exon 9 of the ERCC2 gene, results from a C to G substitution at nucleotide position 787. The leucine at codon 263 is replaced by valine, an amino acid with highly similar properties. This amino acid position is conserved. In addition, this alteration is predicted to be tolerated by in silico analysis. Since supporting evidence is limited at this time, the clinical significance of this alteration remains unclear.